The following is an entry in ClinVar:

ClinVar aggregate classification (germline): Pathogenic (1 of 4 stars; one submission).

Conditions:
Neurofibromatosis, type 1 (NF1). Also called: VON RECKLINGHAUSEN DISEASE; Peripheral type neurofibromatosis; Neurofibromatosis, type I; NEUROFIBROMATOSIS, TYPE I, SOMATIC. Identifiers: Orphanet 636, MedGen C0027831, MONDO:0018975, OMIM 162200. Disease mechanism: loss of function.

Submission:

Labcorp Genetics (formerly Invitae), Labcorp
Classification: Pathogenic for Neurofibromatosis, type 1. Last evaluated: 2026-01-16. Review status: criteria provided, single submitter. Criteria: Invitae Variant Classification Sherloc (09022015). Collection method: clinical testing. Allele origin: germline.
Comment: This sequence change replaces isoleucine, which is neutral and non-polar, with serine, which is neutral and polar, at codon 766 of the NF1 protein (p.Ile766Ser). This variant is not present in population databases (gnomAD no frequency). This missense change has been observed in individual(s) with neurofibromatosis type 1 (PMID: 31766501, 31776437; internal data). ClinVar contains an entry for this variant (Variation ID: 216397). Invitae Evidence Modeling of protein sequence and biophysical properties (such as structural, functional, and spatial information, amino acid conservation, physicochemical variation, residue mobility, and thermodynamic stability) indicates that this missense variant is expected to disrupt NF1 protein function with a positive predictive value of 95%. For these reasons, this variant has been classified as Pathogenic.

Literature cited by the submitters: PubMed 31766501; PubMed 31776437.

NM_001042492.3(NF1):c.2297T>G (p.Ile766Ser)

Gene: NF1 (neurofibromin 1; plus strand). Cytogenetic location: 17q11.2.
Variant type: single nucleotide variant.
Coding change: c.2297T>G on transcript NM_001042492.3 (MANE Select); coding-DNA position 2297, T replaced by G.
Protein change: p.Ile766Ser; replaces isoleucine 766 with serine.
Molecular consequence: missense variant.
Genome position (GRCh38, 1-based): chr17:31,227,263, T>G. VCF-style: chr17-31227263-T-G. GRCh37 (hg19) VCF-style: chr17-29554281-T-G.
Other names: c.2297T>G, p.Ile766Ser (NM_000267.4); short protein forms I766S.
Identifiers: ClinVar variation 216397 (VCV000216397.5), dbSNP rs863224657, ClinGen allele CA339103.